The following is an entry in ClinVar:

NM_001374828.1(ARID1B):c.3965_3966del (p.Gly1322fs)

Gene: ARID1B (AT-rich interaction domain 1B; plus strand). Cytogenetic location: 6q25.3.
Variant type: Deletion.
Coding change: c.3965_3966del on transcript NM_001374828.1 (MANE Select); coding-DNA positions 3965 to 3966, 2 bases deleted (GC; older notation c.3965_3966delGC).
Protein change: p.Gly1322fs; shifts the reading frame from glycine 1322.
Molecular consequence: frameshift variant.
Genome position (GRCh38, 1-based): chr6:157,189,687-157,189,688, GC deleted. VCF-style (leftmost placement, unchanged base first): chr6-157189686-GGC-G. GRCh37 (hg19) VCF-style: chr6-157510820-GGC-G.
Other names: c.3596_3597delGC (NM_020732.3); c.1466_1467del, p.Gly489fs (NM_001363725.2); c.3845_3846del, p.Gly1282fs (NM_001371656.1, NM_001374820.1); c.3806_3807del, p.Gly1269fs (NM_017519.3); short protein forms G489fs, G1269fs, G1282fs, G1322fs.
Identifiers: ClinVar variation 426239 (VCV000426239.2), dbSNP rs1085307518, ClinGen allele CA645294040.
Genomic context (GRCh38, chr6:157,189,686, plus strand): 5'-GTGCTGCTACTATCAGCTAACTCGGGATCCTTGCAAGGCCCACAGACCCCCCAGTCAACT[GGC>G]AGCAATTCCATGGCAGAGGTTCCAGGTGACCTGAAGCCACCTACCCCAGCCTCCACCCCT-3'

ClinVar aggregate classification (germline): Pathogenic (1 of 4 stars; one submission).

Submission:

GeneDx
Classification: Pathogenic. Last evaluated: 2017-04-25. Review status: criteria provided, single submitter. Criteria: GeneDx Variant Classification (06012015). Collection method: clinical testing. Allele origin: germline. Affected: yes.
Comment: The c.3596_3597delGC variant in the ARID1B gene has not been reported previously as a pathogenic variant nor as a benign variant, to our knowledge. This variant causes a frameshift starting with codon Glycine 1199, changes this amino acid to a Glutamic Acid residue, and creates a premature Stop codon at position 10 of the new reading frame, denoted p.Gly1199GlufsX10. This variant is predicted to cause loss of normal protein function either through protein truncation or nonsense-mediated mRNA decay. The c.3596_3597delGC variant is not observed in large population cohorts (Lek et al., 2016; 1000 Genomes Consortium et al., 2015; Exome Variant Server). Based on currently available evidence, we interpret c.3596_3597delGC as a pathogenic variant.